The following is an entry in ClinVar:

ClinVar aggregate classification (germline): Uncertain significance. Review status: criteria provided, multiple submitters, no conflicts (2 of 4 stars). 2 submissions from 2 submitters: Uncertain significance (2). Last evaluated 2021-08-02.

Conditions:
Familial thoracic aortic aneurysm and aortic dissection (TAAD). Also called: Thoracic aortic aneurysms and dissections. Identifiers: Orphanet 91387, MedGen C4707243, MONDO:0019625.

Submissions (2):

Ambry Genetics
Classification: Uncertain significance for Familial thoracic aortic aneurysm and aortic dissection. Last evaluated: 2021-08-02. Review status: criteria provided, single submitter. Criteria: Ambry Variant Classification Scheme 2023. Collection method: clinical testing. Allele origin: germline.
Comment: The p.H256R variant (also known as c.767A>G), located in coding exon 4 of the TGFBR1 gene, results from an A to G substitution at nucleotide position 767. The histidine at codon 256 is replaced by arginine, an amino acid with highly similar properties. This alteration has been reported in a Loeys-Dietz syndrome (LDS) cohort; however, clinical details were limited (Yang H et al. Orphanet J Rare Dis, 2020 01;15:6). This amino acid position is highly conserved in available vertebrate species. In addition, this alteration is predicted to be deleterious by in silico analysis. Since supporting evidence is limited at this time, the clinical significance of this alteration remains unclear.

Labcorp Genetics (formerly Invitae), Labcorp
Classification: Uncertain significance for Familial thoracic aortic aneurysm and aortic dissection. Last evaluated: 2017-11-02. Review status: criteria provided, single submitter. Criteria: Invitae Variant Classification Sherloc (09022015). Collection method: clinical testing. Allele origin: germline.
Comment: This sequence change replaces histidine with arginine at codon 256 of the TGFBR1 protein (p.His256Arg). The histidine residue is highly conserved and there is a small physicochemical difference between histidine and arginine. This variant is not present in population databases (ExAC no frequency) and has not been reported in the literature in individuals with a TGFBR1-related disease. Algorithms developed to predict the effect of missense changes on protein structure and function (SIFT, PolyPhen-2, Align-GVGD) all suggest that this variant is likely to be disruptive, but these predictions have not been confirmed by published functional studies. In summary, this variant is a novel missense change with uncertain impact on protein function. It has been classified as a Variant of Uncertain Significance.

Literature cited by the submitters: PubMed 31915033 (cited by Ambry Genetics).

NM_004612.4(TGFBR1):c.767A>G (p.His256Arg)

Gene: TGFBR1 (transforming growth factor beta receptor 1; plus strand). Cytogenetic location: 9q22.33.
Variant type: single nucleotide variant.
Coding change: c.767A>G on transcript NM_004612.4 (MANE Select); coding-DNA position 767, A replaced by G.
Protein change: p.His256Arg; replaces histidine 256 with arginine.
Molecular consequence: missense variant.
Genome position (GRCh38, 1-based): chr9:99,138,051, A>G. VCF-style: chr9-99138051-A-G. GRCh37 (hg19) VCF-style: chr9-101900333-A-G.
Other names: c.536A>G, p.His179Arg (NM_001130916.3); c.779A>G, p.His260Arg (NM_001306210.2); short protein forms H256R, H260R, H179R.
Identifiers: ClinVar variation 477561 (VCV000477561.11), dbSNP rs1554700666, ClinGen allele CA374230236.
Genomic context (GRCh38, chr9:99,138,051, plus strand): 5'-CTAGAGAAGAACGTTCGTGGTTCCGTGAGGCAGAGATTTATCAAACTGTAATGTTACGTC[A>G]TGAAAACATCCTGGGATTTATAGCAGCAGACAATAAAGGTCTGTAACATTTGCTTTTCCT-3'
Protein context (NP_004603.1, residues 246-266): AEIYQTVMLR[His256Arg]ENILGFIAAD